The following is an entry in ClinVar:

ClinVar aggregate classification (germline): Uncertain significance (1 of 4 stars; one submission).

Allele frequency attached by ClinVar (database versions not stated): gnomAD exomes below 0.00001; TOPMed below 0.00001.
gnomAD v4.1: 1 of 1,613,792 alleles (0.000062%); highest among the groups gnomAD compares: Non-Finnish European, 0.000085%; no homozygotes.

Submission:

Labcorp Genetics (formerly Invitae), Labcorp
Classification: Uncertain significance. Last evaluated: 2023-11-10. Review status: criteria provided, single submitter. Criteria: Invitae Variant Classification Sherloc (09022015). Collection method: clinical testing. Allele origin: germline.
Comment: This sequence change replaces phenylalanine, which is neutral and non-polar, with serine, which is neutral and polar, at codon 151 of the SAG protein (p.Phe151Ser). This variant is not present in population databases (gnomAD no frequency). This variant has not been reported in the literature in individuals affected with SAG-related conditions. Advanced modeling of protein sequence and biophysical properties (such as structural, functional, and spatial information, amino acid conservation, physicochemical variation, residue mobility, and thermodynamic stability) has been performed at Invitae for this missense variant, however the output from this modeling did not meet the statistical confidence thresholds required to predict the impact of this variant on SAG protein function. In summary, the available evidence is currently insufficient to determine the role of this variant in disease. Therefore, it has been classified as a Variant of Uncertain Significance.

NM_000541.5(SAG):c.452T>C (p.Phe151Ser)

Gene: SAG (S-antigen visual arrestin; plus strand). Cytogenetic location: 2q37.1.
Variant type: single nucleotide variant.
Coding change: c.452T>C on transcript NM_000541.5 (MANE Select); coding-DNA position 452, T replaced by C.
Protein change: p.Phe151Ser; replaces phenylalanine 151 with serine.
Molecular consequence: missense variant.
Genome position (GRCh38, 1-based): chr2:233,327,137, T>C. VCF-style: chr2-233327137-T-C. GRCh37 (hg19) VCF-style: chr2-234235783-T-C.
Other names: short protein forms F151S.
Identifiers: ClinVar variation 3011442 (VCV003011442.3), dbSNP rs1700585506, ClinGen allele CA351047151.